The following is an entry in ClinVar:

ClinVar aggregate classification (germline): Uncertain significance (1 of 4 stars; one submission).

Conditions:
PRPH2-related disorder. Also called: PRPH2-related disorders; PRPH2-related condition. Identifiers: MedGen CN239395.

Submission:

Labcorp Genetics (formerly Invitae), Labcorp
Classification: Uncertain significance for PRPH2-related disorder. Last evaluated: 2024-10-22. Review status: criteria provided, single submitter. Criteria: Invitae Variant Classification Sherloc (09022015). Collection method: clinical testing. Allele origin: germline.
Comment: This sequence change replaces methionine, which is neutral and non-polar, with threonine, which is neutral and polar, at codon 138 of the PRPH2 protein (p.Met138Thr). This variant is not present in population databases (gnomAD no frequency). This variant has not been reported in the literature in individuals affected with PRPH2-related conditions. ClinVar contains an entry for this variant (Variation ID: 953805). Invitae Evidence Modeling of protein sequence and biophysical properties (such as structural, functional, and spatial information, amino acid conservation, physicochemical variation, residue mobility, and thermodynamic stability) indicates that this missense variant is expected to disrupt PRPH2 protein function with a positive predictive value of 95%. In summary, the available evidence is currently insufficient to determine the role of this variant in disease. Therefore, it has been classified as a Variant of Uncertain Significance.

NM_000322.5(PRPH2):c.413T>C (p.Met138Thr)

Gene: PRPH2 (peripherin 2; minus strand). Cytogenetic location: 6p21.1.
Variant type: single nucleotide variant.
Coding change: c.413T>C on transcript NM_000322.5 (MANE Select); coding-DNA position 413, T replaced by C.
Protein change: p.Met138Thr; replaces methionine 138 with threonine.
Molecular consequence: missense variant.
Genome position (GRCh38, 1-based): chr6:42,721,922, A>G on the plus strand (T>C on the coding strand, the complement: PRPH2 is on the minus strand). VCF-style: chr6-42721922-A-G. GRCh37 (hg19) VCF-style: chr6-42689660-A-G.
Other names: short protein forms M138T.
Identifiers: ClinVar variation 953805 (VCV000953805.9), dbSNP rs1761910137, ClinGen allele CA364137615.